The following is an entry in ClinVar:

ClinVar aggregate classification (germline): Pathogenic. Review status: criteria provided, multiple submitters, no conflicts (2 of 4 stars). 3 submissions from 3 submitters: Pathogenic (2). 1 of the submissions does not count toward it. Last evaluated 2025-07-30.

Conditions:
Familial adenomatous polyposis 1 (FAP1). Also called: FAMILIAL ADENOMATOUS POLYPOSIS 1, ATTENUATED; POLYPOSIS, ADENOMATOUS INTESTINAL. Identifiers: MedGen C2713442, MONDO:0021056, OMIM 175100. Disease mechanism: loss of function.

Submissions (3):

Labcorp Genetics (formerly Invitae), Labcorp
Classification: Pathogenic for Familial adenomatous polyposis 1. Last evaluated: 2025-07-30. Review status: criteria provided, single submitter. Criteria: Invitae Variant Classification Sherloc (09022015). Collection method: clinical testing. Allele origin: germline.
Comment: This sequence change creates a premature translational stop signal (p.Tyr1027Leufs*2) in the APC gene. While this is not anticipated to result in nonsense mediated decay, it is expected to disrupt the last 1817 amino acid(s) of the APC protein. This variant is not present in population databases (gnomAD no frequency). This premature translational stop signal has been observed in individual(s) with APC-related conditions (PMID: 23159591). ClinVar contains an entry for this variant (Variation ID: 217960). This variant is expected to disrupt the EB1 and HDLG binding sites, which mediate interactions with the cytoskeleton (PMID: 15311282, 17293347). While functional studies have not been performed to directly test the effect on APC protein function, this suggests that disruption of the C-terminal portion of the protein is functionally important. A different truncation (p.Tyr2645Lysfs*14) that lies downstream of this variant has been determined to be pathogenic (PMID: 9824584, 1316610, 27081525, 8381579, 22135120, internal data). This suggests that deletion of this region of the APC protein is causative of disease. For these reasons, this variant has been classified as Pathogenic.

Myriad Genetics, Inc.
Classification: Pathogenic for Familial adenomatous polyposis 1. Last evaluated: 2023-05-05. Review status: criteria provided, single submitter. Criteria: Myriad Autosomal Dominant, Autosomal Recessive and X-Linked Classification Criteria (2023). Collection method: clinical testing. Allele origin: unknown.
Comment: This variant is considered pathogenic. This variant creates a frameshift predicted to result in premature protein truncation.

Mayo Clinic Laboratories, Mayo Clinic
Classification: Likely pathogenic. Review status: no assertion criteria provided. Collection method: research. Allele origin: unknown. Observed: 1 variant allele. Not counted in ClinVar's aggregate classification.

Literature cited by the submitters: PubMed 23159591 (cited by Labcorp Genetics (formerly Invitae), Labcorp); PubMed 15311282 (cited by Labcorp Genetics (formerly Invitae), Labcorp); PubMed 17293347 (cited by Labcorp Genetics (formerly Invitae), Labcorp); PubMed 9824584 (cited by Labcorp Genetics (formerly Invitae), Labcorp); PubMed 1316610 (cited by Labcorp Genetics (formerly Invitae), Labcorp); PubMed 27081525 (cited by Labcorp Genetics (formerly Invitae), Labcorp); PubMed 8381579 (cited by Labcorp Genetics (formerly Invitae), Labcorp); PubMed 22135120 (cited by Labcorp Genetics (formerly Invitae), Labcorp).

NM_000038.6(APC):c.3079dup (p.Tyr1027fs)

Gene: APC (APC regulator of Wnt signaling pathway; plus strand). Cytogenetic location: 5q22.2.
Variant type: Duplication.
Coding change: c.3079dup on transcript NM_000038.6 (MANE Select); coding-DNA position 3079, one base duplicated (T; older notation c.3079dupT).
Protein change: p.Tyr1027fs; shifts the reading frame from tyrosine 1027.
Molecular consequence: frameshift variant.
Genome position (GRCh38, 1-based): chr5:112,838,673, T duplicated; the last of 2 consecutive T bases (chr5:112,838,672-112,838,673); duplicating either gives the same sequence. VCF-style (leftmost placement, unchanged base first): chr5-112838671-A-AT. GRCh37 (hg19) VCF-style: chr5-112174368-A-AT.
Other names: c.3079dup, p.Tyr1027fs (NM_001127510.3, NM_001354895.2); c.3025dup, p.Tyr1009fs (NM_001127511.3); c.3133dup, p.Tyr1045fs (NM_001354896.2); c.3109dup, p.Tyr1037fs (NM_001354897.2); c.3004dup, p.Tyr1002fs (NM_001354898.2); c.2995dup, p.Tyr999fs (NM_001354899.2); c.2956dup, p.Tyr986fs (NM_001354900.2); c.2902dup, p.Tyr968fs (NM_001354901.2); and 5 more; short protein forms Y986fs, Y999fs, Y1009fs, Y1045fs, Y926fs, Y936fs, Y968fs, Y1002fs.
Identifiers: ClinVar variation 217960 (VCV000217960.8), dbSNP rs863225337, ClinGen allele CA279808.
Genomic context (GRCh38, chr5:112,838,671, plus strand): 5'-ATAAAATACATAGTGCAAATCATATGGATGATAATGATGGAGAACTAGATACACCAATAA[A>AT]TTATAGTCTTAAATATTCAGATGAGCAGTTGAACTCTGGAAGGCAAAGTCCTTCACAGAA-3'